The following is an entry in ClinVar:

NM_003239.5(TGFB3):c.469C>G (p.Pro157Ala)

Gene: TGFB3 (transforming growth factor beta 3; minus strand). Cytogenetic location: 14q24.3.
Variant type: single nucleotide variant.
Coding change: c.469C>G on transcript NM_003239.5 (MANE Select); coding-DNA position 469, C replaced by G.
Protein change: p.Pro157Ala; replaces proline 157 with alanine.
Molecular consequence: missense variant.
Genome position (GRCh38, 1-based): chr14:75,971,602, G>C on the plus strand (C>G on the coding strand, the complement: TGFB3 is on the minus strand). VCF-style: chr14-75971602-G-C. GRCh37 (hg19) VCF-style: chr14-76437945-G-C.
Other names: c.469C>G, p.Pro157Ala (NM_001329938.2, NM_001329939.2); short protein forms P157A.
Identifiers: ClinVar variation 1447613 (VCV001447613.8), dbSNP rs2035293604, ClinGen allele CA390470020.

ClinVar aggregate classification (germline): Uncertain significance (1 of 4 stars; one submission).

Conditions:
Rienhoff syndrome. Also called: LOEYS-DIETZ SYNDROME 5. Identifiers: MedGen C3810012, MONDO:0014262, OMIM 615582.

Submission:

Labcorp Genetics (formerly Invitae), Labcorp
Classification: Uncertain significance for Rienhoff syndrome. Last evaluated: 2021-04-03. Review status: criteria provided, single submitter. Criteria: Invitae Variant Classification Sherloc (09022015). Collection method: clinical testing. Allele origin: germline.
Comment: In summary, the available evidence is currently insufficient to determine the role of this variant in disease. Therefore, it has been classified as a Variant of Uncertain Significance. Algorithms developed to predict the effect of missense changes on protein structure and function are either unavailable or do not agree on the potential impact of this missense change (SIFT: "Tolerated"; PolyPhen-2: "Possibly Damaging"; Align-GVGD: "Class C0"). This variant has not been reported in the literature in individuals with TGFB3-related conditions. This variant is not present in population databases (ExAC no frequency). This sequence change replaces proline with alanine at codon 157 of the TGFB3 protein (p.Pro157Ala). The proline residue is highly conserved and there is a small physicochemical difference between proline and alanine.